The following is an entry in ClinVar:

ClinVar aggregate classification (germline): Uncertain significance (1 of 4 stars; one submission).

Conditions:
Joubert syndrome 21 (JBTS21). Identifiers: MedGen C3810212, MONDO:0014288, OMIM 615636.

Allele frequency attached by ClinVar (database versions not stated): gnomAD exomes below 0.00001; ExAC 0.00001.
gnomAD v4.1: 5 of 1,606,284 alleles (0.00031%); highest among the groups gnomAD compares: Non-Finnish European, 0.00042%; no homozygotes.

Submission:

Labcorp Genetics (formerly Invitae), Labcorp
Classification: Uncertain significance for Joubert syndrome 21. Last evaluated: 2022-08-31. Review status: criteria provided, single submitter. Criteria: Invitae Variant Classification Sherloc (09022015). Collection method: clinical testing. Allele origin: germline.
Comment: In summary, the available evidence is currently insufficient to determine the role of this variant in disease. Therefore, it has been classified as a Variant of Uncertain Significance. Algorithms developed to predict the effect of missense changes on protein structure and function (SIFT, PolyPhen-2, Align-GVGD) all suggest that this variant is likely to be tolerated. ClinVar contains an entry for this variant (Variation ID: 1496308). This variant has not been reported in the literature in individuals affected with CSPP1-related conditions. This variant is present in population databases (rs766230896, gnomAD 0.0009%). This sequence change replaces threonine, which is neutral and polar, with arginine, which is basic and polar, at codon 674 of the CSPP1 protein (p.Thr674Arg).

NM_001382391.1(CSPP1):c.2036C>G (p.Thr679Arg)

Gene: CSPP1 (centrosome and spindle pole associated protein 1; plus strand). Cytogenetic location: 8q13.2.
Variant type: single nucleotide variant.
Coding change: c.2036C>G on transcript NM_001382391.1 (MANE Select); coding-DNA position 2036, C replaced by G.
Protein change: p.Thr679Arg; replaces threonine 679 with arginine.
Molecular consequence: missense variant. On other transcripts: intron variant (3).
Genome position (GRCh38, 1-based): chr8:67,149,843, C>G. VCF-style: chr8-67149843-C-G. GRCh37 (hg19) VCF-style: chr8-68062078-C-G.
Other names: c.1955C>G, p.Thr652Arg (NM_001363131.2); c.2102C>G, p.Thr701Arg (NM_001364869.1); c.1922C>G, p.Thr641Arg (NM_001364870.1); c.2021C>G, p.Thr674Arg (NM_024790.7); c.1934-4181C>G (NM_001363132.2); c.1853-4181C>G (NM_001363133.2); c.1079-4181C>G (NM_001291339.2); short protein forms T641R, T652R, T679R, T701R, T674R.
Identifiers: ClinVar variation 1496308 (VCV001496308.6), dbSNP rs766230896, ClinGen allele CA4770726.